The following is an entry in ClinVar:

ClinVar aggregate classification (germline): Uncertain significance. Review status: criteria provided, multiple submitters, no conflicts (2 of 4 stars). 2 submissions from 2 submitters: Uncertain significance (2). Last evaluated 2025-05-23.

Allele frequency attached by ClinVar (database versions not stated): ExAC 0.00001; gnomAD 0.00001; gnomAD exomes 0.00001; TOPMed 0.00001.
gnomAD v4.1: 12 of 1,613,964 alleles (0.00074%); highest among the groups gnomAD compares: East Asian, 0.0022%; no homozygotes.

Submissions (2):

Labcorp Genetics (formerly Invitae), Labcorp
Classification: Uncertain significance. Last evaluated: 2025-05-23. Review status: criteria provided, single submitter. Criteria: Invitae Variant Classification Sherloc (09022015). Collection method: clinical testing. Allele origin: germline.
Comment: This sequence change replaces threonine, which is neutral and polar, with methionine, which is neutral and non-polar, at codon 321 of the WFS1 protein (p.Thr321Met). This variant is present in population databases (rs745761673, gnomAD 0.002%). This missense change has been observed in individual(s) with clinical features of autosomal dominant Wolfram-like syndrome (PMID: 24890733). ClinVar contains an entry for this variant (Variation ID: 1201617). Invitae Evidence Modeling of protein sequence and biophysical properties (such as structural, functional, and spatial information, amino acid conservation, physicochemical variation, residue mobility, and thermodynamic stability) has been performed for this missense variant. However, the output from this modeling did not meet the statistical confidence thresholds required to predict the impact of this variant on WFS1 protein function. In summary, the available evidence is currently insufficient to determine the role of this variant in disease. Therefore, it has been classified as a Variant of Uncertain Significance.

GeneDx
Classification: Uncertain significance. Last evaluated: 2019-07-25. Review status: criteria provided, single submitter. Criteria: GeneDx Variant Classification Process June 2021. Collection method: clinical testing. Allele origin: germline. Affected: yes.
Comment: Reported as a heterozygous mutation in one family who presented with childhood-onset optic atrophy and high frequency hearing impairment (Chaussenot et al., 2015); Not observed at a significant frequency in large population cohorts (Lek et al., 2016); In silico analysis, which includes protein predictors and evolutionary conservation, supports a deleterious effect; This variant is associated with the following publications: (PMID: 24890733)

Literature cited by the submitters: PubMed 24890733 (cited by Labcorp Genetics (formerly Invitae), Labcorp).

NM_006005.3(WFS1):c.962C>T (p.Thr321Met)

Gene: WFS1 (wolframin ER transmembrane glycoprotein; plus strand). Cytogenetic location: 4p16.1.
Variant type: single nucleotide variant.
Coding change: c.962C>T on transcript NM_006005.3 (MANE Select); coding-DNA position 962, C replaced by T.
Protein change: p.Thr321Met; replaces threonine 321 with methionine.
Molecular consequence: missense variant.
Genome position (GRCh38, 1-based): chr4:6,300,757, C>T. VCF-style: chr4-6300757-C-T. GRCh37 (hg19) VCF-style: chr4-6302484-C-T.
Other names: c.962C>T, p.Thr321Met (NM_001145853.1); short protein forms T321M.
Identifiers: ClinVar variation 1201617 (VCV001201617.10), dbSNP rs745761673, ClinGen allele CA2839169.